The following is an entry in ClinVar:

ClinVar aggregate classification (germline): Uncertain significance. Review status: criteria provided, multiple submitters, no conflicts (2 of 4 stars). 2 submissions from 2 submitters: Uncertain significance (2). Last evaluated 2024-04-11.

Conditions:
Duchenne muscular dystrophy (DMD). Also called: MUSCULAR DYSTROPHY, PSEUDOHYPERTROPHIC PROGRESSIVE, DUCHENNE TYPE; Duchenne Muscular Dystrophy (DMD). Identifiers: Orphanet 98896, MedGen C0013264, MONDO:0010679, OMIM 310200.

Submissions (2):

Revvity Omics, Revvity
Classification: Uncertain significance. Last evaluated: 2024-04-11. Review status: criteria provided, single submitter. Criteria: ACMG Guidelines, 2015. Collection method: clinical testing. Allele origin: germline.

Labcorp Genetics (formerly Invitae), Labcorp
Classification: Uncertain significance for Duchenne muscular dystrophy. Last evaluated: 2022-08-21. Review status: criteria provided, single submitter. Criteria: Invitae Variant Classification Sherloc (09022015). Collection method: clinical testing. Allele origin: germline.
Comment: This variant is not present in population databases (gnomAD no frequency). In summary, the available evidence is currently insufficient to determine the role of this variant in disease. Therefore, it has been classified as a Variant of Uncertain Significance. Algorithms developed to predict the effect of missense changes on protein structure and function (SIFT, PolyPhen-2, Align-GVGD) all suggest that this variant is likely to be disruptive. This variant has not been reported in the literature in individuals affected with DMD-related conditions. This sequence change replaces cysteine, which is neutral and slightly polar, with arginine, which is basic and polar, at codon 1505 of the DMD protein (p.Cys1505Arg).

NM_004006.3(DMD):c.4513T>C (p.Cys1505Arg)

Gene: DMD (dystrophin; minus strand). Cytogenetic location: Xp21.1.
Variant type: single nucleotide variant.
Coding change: c.4513T>C on transcript NM_004006.3 (MANE Select); coding-DNA position 4513, T replaced by C.
Protein change: p.Cys1505Arg; replaces cysteine 1505 with arginine.
Molecular consequence: missense variant.
Genome position (GRCh38, 1-based): chrX:32,389,506, A>G on the plus strand (T>C on the coding strand, the complement: DMD is on the minus strand). VCF-style: chrX-32389506-A-G. GRCh37 (hg19) VCF-style: chrX-32407623-A-G.
Other names: c.4489T>C, p.Cys1497Arg (NM_000109.4); c.4501T>C, p.Cys1501Arg (NM_004009.3); c.4144T>C, p.Cys1382Arg (NM_004010.3); c.490T>C, p.Cys164Arg (NM_004011.4); c.481T>C, p.Cys161Arg (NM_004012.4); short protein forms C1382R, C1497R, C1501R, C1505R, C161R, C164R.
Identifiers: ClinVar variation 1713413 (VCV001713413.8), dbSNP rs2523113758, ClinGen allele CA412662928.